The following is an entry in ClinVar:

NC_000021.9:g.32728029T>A

Gene: SYNJ1 (synaptojanin 1; minus strand). Cytogenetic location: 21q22.11.
Variant type: single nucleotide variant.
Molecular consequence: missense variant (on NM_003895.4).
Genome position: GRCh38 VCF-style: chr21-32728029-T-A. GRCh37 (hg19) VCF-style: chr21-34100340-T-A.
Other names: c.12A>T, p.Arg4Ser (NM_003895.4); short protein forms R4S.
Identifiers: ClinVar variation 1428130 (VCV001428130.6), dbSNP rs1456208463, ClinGen allele CA410078933.

ClinVar aggregate classification (germline): Uncertain significance (1 of 4 stars; one submission).

Conditions:
Developmental and epileptic encephalopathy, 53. Also called: Epileptic encephalopathy, early infantile, 53. Identifiers: MedGen C4479313, MONDO:0033362, OMIM 617389.
Early-onset Parkinson disease 20. Also called: PARKINSON DISEASE 20, AUTOSOMAL RECESSIVE EARLY-ONSET. Identifiers: Orphanet 391411, MedGen C3809824, MONDO:0014233, OMIM 615530.

Submission:

Labcorp Genetics (formerly Invitae), Labcorp
Classification: Uncertain significance for Developmental and epileptic encephalopathy, 53; Early-onset Parkinson disease 20. Last evaluated: 2021-08-27. Review status: criteria provided, single submitter. Criteria: Invitae Variant Classification Sherloc (09022015). Collection method: clinical testing. Allele origin: germline.
Comment: This sequence change replaces arginine with serine at codon 4 of the SYNJ1 protein (p.Arg4Ser). The arginine residue is weakly conserved and there is a moderate physicochemical difference between arginine and serine. The frequency data for this variant in the population databases is considered unreliable, as metrics indicate insufficient coverage at this position in the ExAC database. This variant has not been reported in the literature in individuals affected with SYNJ1-related conditions. Algorithms developed to predict the effect of missense changes on protein structure and function output the following: SIFT: "Deleterious"; PolyPhen-2: "Benign"; Align-GVGD: "Class C0". The serine amino acid residue is found in multiple mammalian species, which suggests that this missense change does not adversely affect protein function. In summary, the available evidence is currently insufficient to determine the role of this variant in disease. Therefore, it has been classified as a Variant of Uncertain Significance.